The following is an entry in ClinVar:

NM_001377.3(DYNC2H1):c.4678_4679insGGAGGAGCCAAGATGGCCGAATAGGAACAGCTCCGGTCTACAGCTCCCAGCGTGAGCGACGCAGAAGACGGNNNNNNNNNNAAAAAAAAAAAAAAAAAAAAAAAGATCATAGTC (p.Ser1559_Leu1560insArgArgSerGlnAspGlyArgIleGlyThrAlaProValTyrSerSerGlnArgGluArgArgArgArgArgXaaXaaXaaXaaLysLysLysLysLysLysLysAspHisSer)

Gene: DYNC2H1 (dynein cytoplasmic 2 heavy chain 1; plus strand). Cytogenetic location: 11q22.3.
Variant type: Insertion.
Coding change: c.4678_4679insGGAGGAGCCAAGATGGCCGAATAGGAACAGCTCCGGTCTACAGCTCCCAGCGTGAGCGACGCAGAAGACGGNNNNNNNNNNAAAAAAAAAAAAAAAAAAAAAAAGATCATAGTC on transcript NM_001377.3 (MANE Select); coding-DNA positions 4678 to 4679, GGAGGAGCCAAGATGGCCGAATAGGAACAGCTCCGGTCTACAGCTCCCAGCGTGAGCGACGCAGAAGACGGNNNNNNNNNNAAAAAAAAAAAAAAAAAAAAAAAGATCATAGTC inserted.
Protein change: p.Ser1559_Leu1560insArgArgSerGlnAspGlyArgIleGlyThrAlaProValTyrSerSerGlnArgGluArgArgArgArgArgXaaXaaXaaXaaLysLysLysLysLysLysLysAspHisSer.
Molecular consequence: inframe insertion.
Genome position: GRCh38: chr11:103,165,964-103,165,965. GRCh37 (hg19): chr11:103,036,693-103,036,694.
Other names: c.4678_4679insGGAGGAGCCAAGATGGCCGAATAGGAACAGCTCCGGTCTACAGCTCCCAGCGTGAGCGACGCAGAAGACGGNNNNNNNNNNAAAAAAAAAAAAAAAAAAAAAAAGATCATAGTC, p.Ser1559_Leu1560insArgArgSerGlnAspGlyArgIleGlyThrAlaProValTyrSerSerGlnArgGluArgArgArgArgArgXaaXaaXaaXaaLysLysLysLysLysLysLysAspHisSer (NM_001080463.2).
Identifiers: ClinVar variation 2752532 (VCV002752532.3), dbSNP rs2497112808.

ClinVar aggregate classification (germline): Pathogenic (1 of 4 stars; one submission).

Conditions:
Jeune thoracic dystrophy. Also called: Jeune syndrome; Infantile thoracic dystrophy; Thoracic pelvic phalangeal dystrophy; Jeune's syndrome; Chondroectodermal dysplasia-like syndrome; Short-rib thoracic dysplasia. Identifiers: Orphanet 474, MedGen C0265275, MONDO:0018770.

Submission:

Labcorp Genetics (formerly Invitae), Labcorp
Classification: Pathogenic for Jeune thoracic dystrophy. Last evaluated: 2023-08-13. Review status: criteria provided, single submitter. Criteria: Invitae Variant Classification Sherloc (09022015). Collection method: clinical testing. Allele origin: germline.
Comment: For these reasons, this variant has been classified as Pathogenic. Retrotransposon insertions including LINE1 (L1), Alu, and SVA (SINE-VNTR-Alu) have been reported to be disease-causing through disruption of either a coding region or splice site (PMID: 19763152, 20307669, 22406018) and loss-of-function variants in DYNC2H1 are known to be pathogenic (PMID: 23339108, 32753734, 33755199). Algorithms developed to predict the effect of sequence changes on RNA splicing suggest that this variant may disrupt the consensus splice site. This variant has not been reported in the literature in individuals affected with DYNC2H1-related conditions. This variant is not present in population databases (gnomAD no frequency). This sequence change inserts a large fragment of DNA, likely a transposable element, in exon 31 of the DYNC2H1 gene (c.4678_4679ins?), causing a frameshift at codon 1560 (p.Leu1560fs). The exact size and sequence of the insertion cannot be determined by the current assay. However, the insertion is expected to result in an absent or disrupted protein product.

Literature cited by the submitters: PubMed 19763152; PubMed 20307669; PubMed 22406018; PubMed 23339108; PubMed 32753734; PubMed 33755199.